The following is an entry in ClinVar:

ClinVar aggregate classification (germline): Benign/Likely benign. Review status: criteria provided, multiple submitters, no conflicts (2 of 4 stars). 4 submissions from 4 submitters: Benign (1); Likely benign (3). Last evaluated 2026-07-01.

Allele frequency attached by ClinVar (database versions not stated): gnomAD exomes 0.00014 and 0.00061; ExAC 0.00037; 1000 Genomes Project 0.00040; 1000 Genomes Project 30x 0.00047; gnomAD 0.00058 and 0.00060; TOPMed 0.00084.
gnomAD v4.1: 287 of 1,613,698 alleles (0.018%); highest among the groups gnomAD compares: Admixed American, 0.47%; 1 homozygote.

Submissions (4):

CeGaT Center for Human Genetics Tuebingen
Classification: Likely benign. Last evaluated: 2026-07-01. Review status: criteria provided, single submitter. Criteria: CeGaT Center For Human Genetics Tuebingen Variant Classification Criteria Version 2. Collection method: clinical testing. Allele origin: germline. Affected: yes. Observed: 3 variant alleles.
Comment: TUFM: BP4, BP7

Labcorp Genetics (formerly Invitae), Labcorp
Classification: Benign. Last evaluated: 2026-01-08. Review status: criteria provided, single submitter. Criteria: Invitae Variant Classification Sherloc (09022015). Collection method: clinical testing. Allele origin: germline.

GeneDx
Classification: Likely benign. Last evaluated: 2021-05-11. Review status: criteria provided, single submitter. Criteria: GeneDx Variant Classification Process June 2021. Collection method: clinical testing. Allele origin: germline. Affected: yes.

Breakthrough Genomics
Classification: Likely benign. Review status: criteria provided, single submitter. Criteria: ACMG Guidelines, 2015. Collection method: not provided. Allele origin: germline. Inheritance: Autosomal recessive inheritance. Affected: yes.

NM_003321.5(TUFM):c.72C>T (p.Thr24=)

Gene: TUFM (Tu translation elongation factor, mitochondrial; minus strand). Cytogenetic location: 16p11.2.
Variant type: single nucleotide variant.
Coding change: c.72C>T on transcript NM_003321.5 (MANE Select); coding-DNA position 72, C replaced by T.
Protein change: p.Thr24=; no amino-acid change (threonine 24 retained).
Molecular consequence: synonymous variant.
Genome position (GRCh38, 1-based): chr16:28,846,087, G>A on the plus strand (C>T on the coding strand, the complement: TUFM is on the minus strand). VCF-style: chr16-28846087-G-A. GRCh37 (hg19) VCF-style: chr16-28857408-G-A.
Other names: c.72C>T, p.Thr24= (NM_001365360.2).
Identifiers: ClinVar variation 516839 (VCV000516839.22), dbSNP rs199775019, ClinGen allele CA7985754.